The following is an entry in ClinVar:

NM_001365276.2(TNXB):c.8831C>T (p.Thr2944Met)

Gene: TNXB (tenascin XB; minus strand). Cytogenetic location: 6p21.33.
Variant type: single nucleotide variant.
Coding change: c.8831C>T on transcript NM_001365276.2 (MANE Select); coding-DNA position 8831, C replaced by T.
Protein change: p.Thr2944Met; replaces threonine 2944 with methionine.
Molecular consequence: missense variant.
Genome position (GRCh38, 1-based): chr6:32,052,954, G>A on the plus strand (C>T on the coding strand, the complement: TNXB is on the minus strand). VCF-style: chr6-32052954-G-A. GRCh37 (hg19) VCF-style: chr6-32020731-G-A.
Other names: c.8825C>T, p.Thr2942Met (NM_019105.8); short protein forms T2944M, T2942M.
Identifiers: ClinVar variation 2451188 (VCV002451188.3), dbSNP rs1013065435, ClinGen allele CA136902962.

ClinVar aggregate classification (germline): Uncertain significance. Review status: criteria provided, multiple submitters, no conflicts (2 of 4 stars). 2 submissions from 2 submitters: Uncertain significance (2). Last evaluated 2025-10-15.

Conditions:
Cardiovascular phenotype. Identifiers: MedGen CN230736.

Allele frequency attached by ClinVar (database versions not stated): gnomAD exomes 0.00001.

Submissions (2):

Women's Health and Genetics/Laboratory Corporation of America, LabCorp
Classification: Uncertain significance. Last evaluated: 2025-10-15. Review status: criteria provided, single submitter. Criteria: LabCorp Variant Classification Summary - May 2015. Collection method: clinical testing. Allele origin: germline.
Comment: Variant summary: TNXB c.8825C>T (p.Thr2942Met) results in a non-conservative amino acid change in the encoded protein sequence. Algorithms developed to predict the effect of missense changes on protein structure and function are either unavailable or do not agree on the potential impact of this missense change. The variant allele was found at a frequency of 4.1e-06 in 242308 control chromosomes. The available data on variant occurrences in the general population are insufficient to allow any conclusion about variant significance. To our knowledge, no occurrence of c.8825C>T in individuals affected with TNXB-related conditions and no experimental evidence demonstrating its impact on protein function have been reported. ClinVar contains an entry for this variant (Variation ID: 2451188). Based on the evidence outlined above, the variant was classified as uncertain significance.

Ambry Genetics
Classification: Uncertain significance for Cardiovascular phenotype. Last evaluated: 2023-02-23. Review status: criteria provided, single submitter. Criteria: Ambry Variant Classification Scheme 2023. Collection method: clinical testing. Allele origin: germline.
Comment: The p.T2942M variant (also known as c.8825C>T), located in coding exon 25 of the TNXB gene, results from a C to T substitution at nucleotide position 8825. The threonine at codon 2942 is replaced by methionine, an amino acid with similar properties. This amino acid position is conserved. In addition, this alteration is predicted to be tolerated by in silico analysis. Since supporting evidence is limited at this time, the clinical significance of this alteration remains unclear.